The following is an entry in ClinVar:

NM_153717.3(EVC):c.2562-3C>T

Gene: EVC (EvC ciliary complex subunit 1; plus strand). Cytogenetic location: 4p16.2.
Variant type: single nucleotide variant.
Coding change: c.2562-3C>T on transcript NM_153717.3 (MANE Select); 3 bases into the intron before coding-DNA position 2562, C replaced by T.
Molecular consequence: intron variant.
Genome position (GRCh38, 1-based): chr4:5,808,198, C>T. VCF-style: chr4-5808198-C-T. GRCh37 (hg19) VCF-style: chr4-5809925-C-T.
Other names: c.2562-3C>T (NM_001306090.2).
Identifiers: ClinVar variation 349207 (VCV000349207.39), dbSNP rs375960614, ClinGen allele CA2836612.

ClinVar aggregate classification (germline): Conflicting classifications of pathogenicity. Review status: criteria provided, conflicting classifications (1 of 4 stars). 5 submissions from 5 submitters: Uncertain significance (2); Likely benign (3). Last evaluated 2026-05-13.

Conditions:
Ellis-van Creveld syndrome (EVC). Also called: Chondroectodermal dysplasia; MESOECTODERMAL DYSPLASIA. Identifiers: Orphanet 289, MedGen C0013903, MONDO:0009162, OMIM 225500.
Curry-Hall syndrome (WAD). Also called: WEYERS ACRODENTAL DYSOSTOSIS. Identifiers: Orphanet 952, MedGen C0457013, MONDO:0008673, OMIM 193530.

Allele frequency attached by ClinVar (database versions not stated): ESP Exome Variant Server 0.00008; TOPMed 0.00030; ExAC 0.00035; gnomAD 0.00084.
gnomAD v4.1: 355 of 1,601,576 alleles (0.022%); highest among the groups gnomAD compares: South Asian, 0.14%; 2 homozygotes.

Submissions (5):

Women's Health and Genetics/Laboratory Corporation of America, LabCorp
Classification: Uncertain significance. Last evaluated: 2026-05-13. Review status: criteria provided, single submitter. Criteria: LabCorp Variant Classification Summary - May 2015. Collection method: clinical testing. Allele origin: germline.

Labcorp Genetics (formerly Invitae), Labcorp
Classification: Likely benign for Curry-Hall syndrome; Ellis-van Creveld syndrome. Last evaluated: 2025-10-12. Review status: criteria provided, single submitter. Criteria: Invitae Variant Classification Sherloc (09022015). Collection method: clinical testing. Allele origin: germline.

Laboratory of Genetics, Children's Clinical University Hospital Latvia
Classification: Likely benign. Last evaluated: 2025-02-16. Review status: criteria provided, single submitter. Criteria: ACMG Guidelines, 2015. Collection method: clinical testing. Allele origin: germline. Affected: yes.

CeGaT Center for Human Genetics Tuebingen
Classification: Likely benign. Last evaluated: 2024-03-01. Review status: criteria provided, single submitter. Criteria: CeGaT Center For Human Genetics Tuebingen Variant Classification Criteria Version 2. Collection method: clinical testing. Allele origin: germline. Affected: yes. Observed: 1 variant allele.
Comment: EVC: BP4, BS2

Illumina Laboratory Services, Illumina
Classification: Uncertain significance for Ellis-van Creveld syndrome. Last evaluated: 2018-01-12. Review status: criteria provided, single submitter. Criteria: ICSL Variant Classification Criteria 13 December 2019. Collection method: clinical testing. Allele origin: germline.